The following is an entry in ClinVar:

NM_005591.4(MRE11):c.1048G>A (p.Glu350Lys)

Gene: MRE11 (MRE11 double strand break repair nuclease; minus strand). Cytogenetic location: 11q21.
Variant type: single nucleotide variant.
Coding change: c.1048G>A on transcript NM_005591.4 (MANE Select); coding-DNA position 1048, G replaced by A.
Protein change: p.Glu350Lys; replaces glutamic acid 350 with lysine.
Molecular consequence: missense variant.
Genome position (GRCh38, 1-based): chr11:94,467,863, C>T on the plus strand (G>A on the coding strand, the complement: MRE11 is on the minus strand). VCF-style: chr11-94467863-C-T. GRCh37 (hg19) VCF-style: chr11-94201029-C-T.
Other names: c.1048G>A, p.Glu350Lys (NM_001330347.2, NM_005590.4); short protein forms E350K.
Identifiers: ClinVar variation 822046 (VCV000822046.6), dbSNP rs781140391, ClinGen allele CA382373823.

ClinVar aggregate classification (germline): Uncertain significance (1 of 4 stars; one submission).

Conditions:
Hereditary cancer-predisposing syndrome. Also called: Tumor predisposition; Hereditary Cancer Syndrome; Neoplastic Syndromes, Hereditary; Hereditary neoplastic syndrome. Identifiers: Orphanet 140162, MedGen C0027672, MeSH D009386, MONDO:0015356.

gnomAD v4.1: 1 of 1,613,644 alleles (0.000062%); highest among the groups gnomAD compares: Non-Finnish European, 0.000085%; no homozygotes.

Submission:

Ambry Genetics
Classification: Uncertain significance for Hereditary cancer-predisposing syndrome. Last evaluated: 2025-05-31. Review status: criteria provided, single submitter. Criteria: Ambry Variant Classification Scheme 2023. Collection method: clinical testing. Allele origin: germline.
Comment: The p.E350K variant (also known as c.1048G>A), located in coding exon 9 of the MRE11A gene, results from a G to A substitution at nucleotide position 1048. The glutamic acid at codon 350 is replaced by lysine, an amino acid with similar properties. This amino acid position is highly conserved in available vertebrate species. In addition, the in silico prediction for this alteration is inconclusive. Since supporting evidence is limited at this time, the clinical significance of this alteration remains unclear.